The following is an entry in ClinVar:

NM_004278.4(PIGL):c.176C>A (p.Pro59His)

Gene: PIGL (phosphatidylinositol glycan anchor biosynthesis class L; plus strand). Cytogenetic location: 17p11.2.
Variant type: single nucleotide variant.
Coding change: c.176C>A on transcript NM_004278.4 (MANE Select); coding-DNA position 176, C replaced by A.
Protein change: p.Pro59His; replaces proline 59 with histidine.
Molecular consequence: missense variant.
Genome position (GRCh38, 1-based): chr17:16,217,402, C>A. VCF-style: chr17-16217402-C-A. GRCh37 (hg19) VCF-style: chr17-16120716-C-A.
Other names: short protein forms P59H.
Identifiers: ClinVar variation 374175 (VCV000374175.5), dbSNP rs1057518948, ClinGen allele CA16043519.

ClinVar aggregate classification (germline): Uncertain significance. Review status: criteria provided, multiple submitters, no conflicts (2 of 4 stars). 3 submissions from 2 submitters: Uncertain significance (3). Last evaluated 2025-08-08.

Conditions:
Inborn genetic diseases. Identifiers: MedGen C0950123, MeSH D030342.
Camptodactyly of finger. Identifiers: MedGen C0409348, HP:0100490.
Hypoplasia of scrotum. Identifiers: MedGen C0431659.
Premature birth. Identifiers: MedGen C0151526, HP:0001622.
Wide intermamillary distance. Identifiers: MedGen C1827524, HP:0006610.
Hypertelorism. Identifiers: MedGen C0020534, OMIM 145400, HP:0000316.
Postaxial hand polydactyly. Also called: Postaxial polydactyly of fingers. Identifiers: MedGen C0431904, MONDO:0017426, HP:0001162.
Low-set ears. Identifiers: MedGen C0239234, HP:0000369.
Bilateral cleft lip and palate. Identifiers: MedGen C1398522.
CHIME syndrome (CHIME). Also called: GLYCOSYLPHOSPHATIDYLINOSITOL BIOSYNTHESIS DEFECT 5; COLOBOMA, CONGENITAL HEART DISEASE, ICHTHYOSIFORM DERMATOSIS, IMPAIRED INTELLECTUAL DEVELOPMENT, AND EAR ANOMALIES SYNDROME. Identifiers: Orphanet 3474, MedGen C1848392, MONDO:0010221, OMIM 280000.

Submissions (3):

Ambry Genetics
Classification: Uncertain significance for Inborn genetic diseases. Last evaluated: 2025-08-08. Review status: criteria provided, single submitter. Criteria: Ambry Variant Classification Scheme 2023. Collection method: clinical testing. Allele origin: germline.

Centre for Mendelian Genomics, University Medical Centre Ljubljana
Classification: Uncertain significance for CHIME syndrome. Last evaluated: 2016-01-01. Review status: criteria provided, single submitter. Criteria: ACMG Guidelines, 2015. Collection method: clinical testing. Allele origin: unknown. Affected: yes.
Comment: This variant was classified as: Uncertain significance.

Centre for Mendelian Genomics, University Medical Centre Ljubljana
Classification: Uncertain significance for Bilateral cleft palate; Camptodactyly of finger; Hypertelorism; Low-set ears; Postaxial hand polydactyly; Premature birth; Small scrotum; Wide intermamillary distance. Last evaluated: 2014-04-09. Review status: criteria provided, single submitter. Criteria: ACMG Guidelines, 2015. Collection method: clinical testing. Allele origin: unknown. Affected: yes.